The following is an entry in ClinVar:

ClinVar aggregate classification (germline): Pathogenic (1 of 4 stars; one submission).

Conditions:
Mucopolysaccharidosis type 1. Also called: Mucopolysaccharidosis Type I; IDUA deficiency; MPS I. Identifiers: Orphanet 579, MedGen C0023786, MONDO:0001586.

Submission:

Labcorp Genetics (formerly Invitae), Labcorp
Classification: Pathogenic for Mucopolysaccharidosis type 1. Last evaluated: 2021-01-22. Review status: criteria provided, single submitter. Criteria: Invitae Variant Classification Sherloc (09022015). Collection method: clinical testing. Allele origin: germline.
Comment: For these reasons, this variant has been classified as Pathogenic. This variant has not been reported in the literature in individuals with IDUA-related conditions. This variant is not present in population databases (ExAC no frequency). This sequence change creates a premature translational stop signal (p.Cys205Argfs*28) in the IDUA gene. It is expected to result in an absent or disrupted protein product. Loss-of-function variants in IDUA are known to be pathogenic (PMID: 11735025, 21480867).

Literature cited by the submitters: PubMed 11735025; PubMed 21480867.

NM_000203.5(IDUA):c.612_615del (p.Cys205fs)

Gene: IDUA (alpha-L-iduronidase; plus strand). Cytogenetic location: 4p16.3.
Variant type: Deletion.
Coding change: c.612_615del on transcript NM_000203.5 (MANE Select); coding-DNA positions 612 to 615, 4 bases deleted (CTGC; older notation c.612_615delCTGC).
Protein change: p.Cys205fs; shifts the reading frame from cysteine 205.
Molecular consequence: frameshift variant. On other transcripts: non-coding transcript variant (1).
Genome position (GRCh38, 1-based): chr4:1,001,701-1,001,704, CTGC deleted; deleting any 4 consecutive bases within chr4:1,001,698-1,001,704 gives the same sequence; the c. name uses the placement nearest the transcript's 3' end. VCF-style (leftmost placement, unchanged base first): chr4-1001697-ATGCC-A. GRCh37 (hg19) VCF-style: chr4-995485-ATGCC-A.
Other names: c.216_219del, p.Cys73fs (NM_001363576.1); short protein forms C73fs, C205fs.
Identifiers: ClinVar variation 1362652 (VCV001362652.6), dbSNP rs875989947, ClinGen allele CA2573137565.